The following is an entry in ClinVar:

ClinVar aggregate classification (germline): Uncertain significance (1 of 4 stars; one submission).

Conditions:
CHEK2-related disorder.

Submission:

PreventionGenetics, part of Exact Sciences
Classification: Uncertain significance for CHEK2-related condition. Last evaluated: 2023-09-14. Review status: criteria provided, single submitter. Criteria: ACMG Guidelines, 2015. Collection method: clinical testing. Allele origin: germline.
Comment: The CHEK2 c.431G>T variant is predicted to result in the amino acid substitution p.Arg144Leu. To our knowledge, this variant has not been reported in the literature or in a large population database, indicating this variant is rare. At this time, the clinical significance of this variant is uncertain due to the absence of conclusive functional and genetic evidence.

NM_007194.4(CHEK2):c.319+3966G>T

Gene: CHEK2 (checkpoint kinase 2; minus strand). Cytogenetic location: 22q12.1.
Variant type: single nucleotide variant.
Coding change: c.319+3966G>T on transcript NM_007194.4 (MANE Select); 3966 bases into the intron after coding-DNA position 319, G replaced by T.
Molecular consequence: intron variant. On other transcripts: missense variant (2).
Genome position (GRCh38, 1-based): chr22:28,730,437, C>A on the plus strand (G>T on the coding strand, the complement: CHEK2 is on the minus strand). VCF-style: chr22-28730437-C-A. GRCh37 (hg19) VCF-style: chr22-29126425-C-A.
Other names: c.431G>T, p.Arg144Leu (NM_001005735.3, NM_001438294.1); c.-344-5070G>T (NM_001437942.1); c.319+3966G>T (NM_001349956.3, NM_145862.3); c.-459+3966G>T (NM_001257387.3); c.412+19G>T (NM_001438295.1, NM_001438293.1); short protein forms R144L.
Identifiers: ClinVar variation 2630817 (VCV002630817.1), dbSNP rs137926355, ClinGen allele CA411087916.